The following is an entry in ClinVar:

ClinVar aggregate classification (germline): Conflicting classifications of pathogenicity. Review status: criteria provided, conflicting classifications (1 of 4 stars). 2 submissions from 2 submitters: Uncertain significance (1); Likely benign (1). Last evaluated 2025-08-26.

Conditions:
Inborn genetic diseases. Identifiers: MedGen C0950123, MeSH D030342.

gnomAD v4.1: 19 of 1,612,974 alleles (0.0012%); highest among the groups gnomAD compares: South Asian, 0.015%; no homozygotes.

Submissions (2):

Ambry Genetics
Classification: Likely benign for Inborn genetic diseases. Last evaluated: 2025-08-26. Review status: criteria provided, single submitter. Criteria: Ambry Variant Classification Scheme 2023. Collection method: clinical testing. Allele origin: germline.

Labcorp Genetics (formerly Invitae), Labcorp
Classification: Uncertain significance. Last evaluated: 2024-06-29. Review status: criteria provided, single submitter. Criteria: Invitae Variant Classification Sherloc (09022015). Collection method: clinical testing. Allele origin: germline.
Comment: This sequence change replaces arginine, which is basic and polar, with glutamine, which is neutral and polar, at codon 1167 of the RAI1 protein (p.Arg1167Gln). This variant is present in population databases (rs552022575, gnomAD 0.02%). This variant has not been reported in the literature in individuals affected with RAI1-related conditions. Advanced modeling of protein sequence and biophysical properties (such as structural, functional, and spatial information, amino acid conservation, physicochemical variation, residue mobility, and thermodynamic stability) performed at Invitae indicates that this missense variant is not expected to disrupt RAI1 protein function with a negative predictive value of 80%. In summary, the available evidence is currently insufficient to determine the role of this variant in disease. Therefore, it has been classified as a Variant of Uncertain Significance.

NM_030665.4(RAI1):c.3500G>A (p.Arg1167Gln)

Gene: RAI1 (retinoic acid induced 1; plus strand). Cytogenetic location: 17p11.2.
Variant type: single nucleotide variant.
Coding change: c.3500G>A on transcript NM_030665.4 (MANE Select); coding-DNA position 3500, G replaced by A.
Protein change: p.Arg1167Gln; replaces arginine 1167 with glutamine.
Molecular consequence: missense variant.
Genome position (GRCh38, 1-based): chr17:17,796,448, G>A. VCF-style: chr17-17796448-G-A. GRCh37 (hg19) VCF-style: chr17-17699762-G-A.
Other names: c.3500G>A (NM_030665.3); short protein forms R1167Q.
Identifiers: ClinVar variation 3716903 (VCV003716903.3).